The following is an entry in ClinVar:

ClinVar aggregate classification (germline): Uncertain significance. Review status: criteria provided, multiple submitters, no conflicts (2 of 4 stars). 5 submissions from 5 submitters: Uncertain significance (5). Last evaluated 2025-10-22.

Conditions:
Hereditary cancer-predisposing syndrome. Also called: Hereditary neoplastic syndrome; Tumor predisposition; Neoplastic Syndromes, Hereditary; Hereditary Cancer Syndrome. Identifiers: Orphanet 140162, MedGen C0027672, MeSH D009386, MONDO:0015356.
Multiple endocrine neoplasia, type 2 (MEN2). Identifiers: Orphanet 653, MedGen C4048306, MONDO:0019003. Disease mechanism: gain of function.
Hirschsprung disease, susceptibility to, 1 (HSCR1). Also called: RET-Related Hirschsprung Disease. Identifiers: Orphanet 388, MedGen C3888239, MONDO:0007723, OMIM 142623.

Allele frequency attached by ClinVar (database versions not stated): gnomAD exomes below 0.00001.
gnomAD v4.1: 2 of 1,613,140 alleles (0.00012%); highest among the groups gnomAD compares: East Asian, 0.0022%; no homozygotes.

Submissions (5):

Ambry Genetics
Classification: Uncertain significance for Hereditary cancer-predisposing syndrome. Last evaluated: 2025-10-22. Review status: criteria provided, single submitter. Criteria: Ambry Variant Classification Scheme 2023. Collection method: clinical testing. Allele origin: germline.
Comment: The p.Q89R variant (also known as c.266A>G), located in coding exon 2 of the RET gene, results from an A to G substitution at nucleotide position 266. The glutamine at codon 89 is replaced by arginine, an amino acid with highly similar properties. This variant was reported in individual(s) with features consistent with multiple endocrine neoplasia type 2 (MEN2) (citation; Ambry internal data). This amino acid position is poorly conserved in available vertebrate species. In addition, this alteration is predicted to be tolerated by in silico analysis. Based on the supporting evidence, the association of this alteration with MEN2 is unknown; however, the association of this alteration with Hirschsprung disease is unlikely.

Labcorp Genetics (formerly Invitae), Labcorp
Classification: Uncertain significance for Multiple endocrine neoplasia, type 2. Last evaluated: 2024-11-27. Review status: criteria provided, single submitter. Criteria: Invitae Variant Classification Sherloc (09022015). Collection method: clinical testing. Allele origin: germline.
Comment: This sequence change replaces glutamine, which is neutral and polar, with arginine, which is basic and polar, at codon 89 of the RET protein (p.Gln89Arg). This variant is not present in population databases (gnomAD no frequency). This variant has not been reported in the literature in individuals affected with RET-related conditions. ClinVar contains an entry for this variant (Variation ID: 570756). An algorithm developed to predict the effect of missense changes on protein structure and function (PolyPhen-2) suggests that this variant¬†is likely to be tolerated. In summary, the available evidence is currently insufficient to determine the role of this variant in disease. Therefore, it has been classified as a Variant of Uncertain Significance.

Quest Diagnostics Nichols Institute San Juan Capistrano
Classification: Uncertain significance. Last evaluated: 2024-10-09. Review status: criteria provided, single submitter. Criteria: Quest Diagnostics criteria. Collection method: clinical testing. Allele origin: unknown.
Comment: The RET c.266A>G (p.Gln89Arg) variant has not been reported in individuals with RET-related conditions in the published literature. It also has not been reported in large, multi-ethnic general populations (Genome Aggregation Database). Analysis of this variant using bioinformatics tools for the prediction of the effect of amino acid changes on protein structure and function yielded predictions that this variant is benign. Based on the available information, we are unable to determine the clinical significance of this variant.

Baylor Genetics
Classification: Uncertain significance for Hirschsprung disease, susceptibility to, 1. Last evaluated: 2023-12-05. Review status: criteria provided, single submitter. Criteria: ACMG Guidelines, 2015. Collection method: clinical testing. Allele origin: unknown.

All of Us Research Program, National Institutes of Health
Classification: Uncertain significance for Multiple endocrine neoplasia, type 2. Last evaluated: 2023-06-08. Review status: criteria provided, single submitter. Criteria: ACMG Guidelines, 2015. Collection method: clinical testing. Allele origin: germline. Inheritance: Autosomal dominant inheritance. Observed: 1 variant allele, 1 heterozygote.
Comment: This missense variant replaces glutamine with arginine at codon 89 of the RET protein. Computational prediction suggests that this variant may not impact protein structure and function (internally defined REVEL score threshold <= 0.5, PMID: 27666373). To our knowledge, functional studies have not been reported for this variant. This variant has not been reported in individuals affected with RET-related disorders in the literature. This variant has not been identified in the general population by the Genome Aggregation Database (gnomAD). The available evidence is insufficient to determine the role of this variant in disease conclusively. Therefore, this variant is classified as a Variant of Uncertain Significance.

This study involves interpretation of variants in research participants for the purpose of population health screening. Participant phenotype was not available at the time of variant classification. Additional details can be found in publication PMID: 35346344, PMCID: PMC8962531

NM_020975.6(RET):c.266A>G (p.Gln89Arg)

Gene: RET (ret proto-oncogene; plus strand). Cytogenetic location: 10q11.21.
Variant type: single nucleotide variant.
Coding change: c.266A>G on transcript NM_020975.6 (MANE Select); coding-DNA position 266, A replaced by G.
Protein change: p.Gln89Arg; replaces glutamine 89 with arginine.
Molecular consequence: missense variant.
Genome position (GRCh38, 1-based): chr10:43,100,651, A>G. VCF-style: chr10-43100651-A-G. GRCh37 (hg19) VCF-style: chr10-43596099-A-G.
Other names: c.266A>G, p.Gln89Arg (NM_000323.2, NM_001406743.1, NM_001406744.1 and 34 more transcripts); short protein forms Q89R.
Identifiers: ClinVar variation 570756 (VCV000570756.15), dbSNP rs1564489449, ClinGen allele CA376770444.
Genomic context (GRCh38, chr10:43,100,651, plus strand): 5'-GCCAGCATCTCTACGGCACGTACCGCACACGGCTGCATGAGAACAACTGGATCTGCATCC[A>G]GGAGGACACCGGCCTCCTCTACCTTAACCGGAGCCTGGACCATAGCTCCTGGGAGAAGCT-3'
Protein context (NP_066124.1, residues 79-99): RLHENNWICI[Gln89Arg]EDTGLLYLNR